The following is an entry in ClinVar:

ClinVar aggregate classification (germline): Uncertain significance (1 of 4 stars; one submission).

Conditions:
Familial focal epilepsy with variable foci (FPEVF). Identifiers: Orphanet 98820, MedGen C1858477, MONDO:0020310.

gnomAD v4.1: 4 of 1,614,218 alleles (0.00025%); highest among the groups gnomAD compares: Non-Finnish European, 0.00034%; no homozygotes.

Submission:

Labcorp Genetics (formerly Invitae), Labcorp
Classification: Uncertain significance for Familial focal epilepsy with variable foci. Last evaluated: 2025-04-23. Review status: criteria provided, single submitter. Criteria: Invitae Variant Classification Sherloc (09022015). Collection method: clinical testing. Allele origin: germline.
Comment: This sequence change replaces leucine, which is neutral and non-polar, with valine, which is neutral and non-polar, at codon 755 of the DEPDC5 protein (p.Leu755Val). This variant is not present in population databases (gnomAD no frequency). This variant has not been reported in the literature in individuals affected with DEPDC5-related conditions. Experimental studies and prediction algorithms are not available or were not evaluated, and the functional significance of this variant is currently unknown. In summary, the available evidence is currently insufficient to determine the role of this variant in disease. Therefore, it has been classified as a Variant of Uncertain Significance.

NM_001242896.3(DEPDC5):c.2263C>G (p.Leu755Val)

Gene: DEPDC5 (DEP domain containing 5, GATOR1 subcomplex subunit; plus strand). Cytogenetic location: 22q12.3.
Variant type: single nucleotide variant.
Coding change: c.2263C>G on transcript NM_001242896.3 (MANE Select); coding-DNA position 2263, C replaced by G.
Protein change: p.Leu755Val; replaces leucine 755 with valine.
Molecular consequence: missense variant. On other transcripts: non-coding transcript variant (4).
Genome position (GRCh38, 1-based): chr22:31,837,064, C>G. VCF-style: chr22-31837064-C-G. GRCh37 (hg19) VCF-style: chr22-32233050-C-G.
Other names: c.2236C>G, p.Leu746Val (NM_001136029.4, NM_001369903.1, NM_014662.6); c.2029C>G, p.Leu677Val (NM_001242897.2, NM_001363854.2, NM_001364319.2); c.2263C>G, p.Leu755Val (NM_001363852.2, NM_001364318.2, NM_001364320.2); c.2179C>G, p.Leu727Val (NM_001369901.1, NM_001369902.1); short protein forms L727V, L677V, L746V, L755V.
Identifiers: ClinVar variation 4740627 (VCV004740627.1).